The following is an entry in ClinVar:

NM_080425.4(GNAS):c.1505C>T (p.Ala502Val)

Gene: GNAS (GNAS complex locus; plus strand). Cytogenetic location: 20q13.32.
Variant type: single nucleotide variant.
Coding change: c.1505C>T on transcript NM_080425.4 (MANE Plus Clinical); coding-DNA position 1505, C replaced by T.
Protein change: p.Ala502Val; replaces alanine 502 with valine.
Molecular consequence: missense variant. On other transcripts: intron variant (3).
Genome position (GRCh38, 1-based): chr20:58,854,770, C>T. VCF-style: chr20-58854770-C-T. GRCh37 (hg19) VCF-style: chr20-57429825-C-T.
Other names: c.1318C>T, p.Leu440Phe (NM_001077490.3, NM_001309883.1); c.1505C>T, p.Ala502Val (NM_001410913.1); c.*42+13884C>T (NM_016592.5); c.43+13884C>T (NM_001410912.1); c.-39+12895C>T (NM_001309861.2); short protein forms L440F, A502V.
Identifiers: ClinVar variation 4992538 (VCV004992538.1).

ClinVar aggregate classification (germline): Uncertain significance (1 of 4 stars; one submission).

Conditions:
GNAS-related disorder. Identifiers: MedGen CN380105.

gnomAD v4.1: 2 of 1,557,698 alleles (0.00013%); highest among the groups gnomAD compares: South Asian, 0.0023%; no homozygotes.

Submission:

PreventionGenetics, part of Exact Sciences
Classification: Uncertain significance for GNAS-related condition. Last evaluated: 2026-08-06. Review status: criteria provided, single submitter. Criteria: ACMG Guidelines, 2015. Collection method: clinical testing. Allele origin: germline.
Comment: The GNAS c.1505C>T variant is predicted to result in the amino acid substitution p.Ala502Val. In the primary transcript listed in the Human Gene Mutation Database (NM_000516; HGMD), this variant is pre-coding (-36957C>T). To our knowledge, this variant has not been reported in the literature or in a large population database (gnomAD), indicating this variant is rare. At this time, the clinical significance of this variant is uncertain due to the absence of conclusive functional and genetic evidence.